The following is an entry in ClinVar:

NM_015135.3(NUP205):c.3617G>A (p.Arg1206Gln)

Gene: NUP205 (nucleoporin 205; plus strand). Cytogenetic location: 7q33.
Variant type: single nucleotide variant.
Coding change: c.3617G>A on transcript NM_015135.3 (MANE Select); coding-DNA position 3617, G replaced by A.
Protein change: p.Arg1206Gln; replaces arginine 1206 with glutamine.
Molecular consequence: missense variant.
Genome position (GRCh38, 1-based): chr7:135,617,174, G>A. VCF-style: chr7-135617174-G-A. GRCh37 (hg19) VCF-style: chr7-135301922-G-A.
Other names: c.2543G>A, p.Arg848Gln (NM_001329434.2); short protein forms R1206Q, R848Q.
Identifiers: ClinVar variation 2052642 (VCV002052642.2), dbSNP rs755778833, ClinGen allele CA4498664.

ClinVar aggregate classification (germline): Uncertain significance (1 of 4 stars; one submission).

Allele frequency attached by ClinVar (database versions not stated): gnomAD 0.00001; gnomAD exomes 0.00003; TOPMed 0.00003; ExAC 0.00005.
gnomAD v4.1: 48 of 1,613,414 alleles (0.003%); highest among the groups gnomAD compares: Admixed American, 0.025%; no homozygotes.

Submission:

Labcorp Genetics (formerly Invitae), Labcorp
Classification: Uncertain significance. Last evaluated: 2022-03-22. Review status: criteria provided, single submitter. Criteria: Invitae Variant Classification Sherloc (09022015). Collection method: clinical testing. Allele origin: germline.
Comment: Algorithms developed to predict the effect of missense changes on protein structure and function (SIFT, PolyPhen-2, Align-GVGD) all suggest that this variant is likely to be tolerated. In summary, the available evidence is currently insufficient to determine the role of this variant in disease. Therefore, it has been classified as a Variant of Uncertain Significance. This variant has not been reported in the literature in individuals affected with NUP205-related conditions. This variant is present in population databases (rs755778833, gnomAD 0.04%). This sequence change replaces arginine, which is basic and polar, with glutamine, which is neutral and polar, at codon 1206 of the NUP205 protein (p.Arg1206Gln).